The following is an entry in ClinVar:

NM_005228.5(EGFR):c.241A>T (p.Thr81Ser)

Gene: EGFR (epidermal growth factor receptor; plus strand). Cytogenetic location: 7p11.2.
Variant type: single nucleotide variant.
Coding change: c.241A>T on transcript NM_005228.5 (MANE Select); coding-DNA position 241, A replaced by T.
Protein change: p.Thr81Ser; replaces threonine 81 with serine.
Molecular consequence: missense variant. On other transcripts: intron variant (1).
Genome position (GRCh38, 1-based): chr7:55,143,305, A>T. VCF-style: chr7-55143305-A-T. GRCh37 (hg19) VCF-style: chr7-55210998-A-T.
Other names: c.241A>T, p.Thr81Ser (NM_001346897.2, NM_001346898.2, NM_001346899.2 and 3 more transcripts); c.82A>T, p.Thr28Ser (NM_001346900.2); c.89-12525A>T (NM_001346941.2); short protein forms T28S, T81S.
Identifiers: ClinVar variation 3843787 (VCV003843787.1).

ClinVar aggregate classification (germline): Uncertain significance (1 of 4 stars; one submission).

Conditions:
Hereditary cancer-predisposing syndrome. Also called: Hereditary neoplastic syndrome; Neoplastic Syndromes, Hereditary; Tumor predisposition; Hereditary Cancer Syndrome. Identifiers: Orphanet 140162, MedGen C0027672, MeSH D009386, MONDO:0015356.

Submission:

Ambry Genetics
Classification: Uncertain significance for Hereditary cancer-predisposing syndrome. Last evaluated: 2024-12-29. Review status: criteria provided, single submitter. Criteria: Ambry Variant Classification Scheme 2023. Collection method: clinical testing. Allele origin: germline.
Comment: The p.T81S variant (also known as c.241A>T) is located in coding exon 3 of the EGFR gene. The threonine at codon 81 is replaced by serine, an amino acid with similar properties. This change occurs in the first base pair of coding exon 3. This amino acid position is conserved. In addition, this alteration is predicted to be tolerated by in silico analysis. Based on the available evidence, the clinical significance of this variant remains unclear.